The following is an entry in ClinVar:

ClinVar aggregate classification (germline): Likely benign. Review status: criteria provided, multiple submitters, no conflicts (2 of 4 stars). 2 submissions from 2 submitters: Likely benign (2). Last evaluated 2018-01-12.

Conditions:
Spermatogenic failure 6 (SPGF6). Also called: ROUND-HEADED SPERMATOZOA; ACROSOME MALFORMATION OF SPERMATOZOA. Identifiers: Orphanet 171709, MedGen C4225503, MONDO:0007060, OMIM 102530.

Allele frequency attached by ClinVar (database versions not stated): 1000 Genomes Project 30x 0.00937; 1000 Genomes Project 0.00938; TOPMed 0.01825; ESP Exome Variant Server 0.01838; gnomAD 0.01897 and 0.01931; gnomAD exomes 0.01903 and 0.02165; ExAC 0.01998.
gnomAD v4.1: 34,495 of 1,612,806 alleles (2.1%); highest among the groups gnomAD compares: Middle Eastern, 4.6%; 458 homozygotes.

Submissions (2):

Illumina Laboratory Services, Illumina
Classification: Likely benign for Spermatogenic failure 6. Last evaluated: 2018-01-12. Review status: criteria provided, single submitter. Criteria: ICSL Variant Classification Criteria 13 December 2019. Collection method: clinical testing. Allele origin: germline.
Comment: This variant was observed in the ICSL laboratory as part of a predisposition screen in an ostensibly healthy population. It had not been previously curated by ICSL or reported in the Human Gene Mutation Database (HGMD: prior to June 1st, 2018), and was therefore a candidate for classification through an automated scoring system. Utilizing variant allele frequency, disease prevalence and penetrance estimates, and inheritance mode, an automated score was calculated to assess if this variant is too frequent to cause the disease. Based on the score and internal cut-off values, a variant classified as likely benign is not then subjected to further curation. The score for this variant resulted in a classification of likely benign for this disease.

Breakthrough Genomics
Classification: Likely benign. Review status: criteria provided, single submitter. Criteria: ACMG Guidelines, 2015. Collection method: not provided. Allele origin: germline. Inheritance: Autosomal recessive inheritance. Affected: yes.

NM_031955.6(SPATA16):c.1577T>C (p.Met526Thr)

Gene: SPATA16 (spermatogenesis associated 16; minus strand). Cytogenetic location: 3q26.31.
Variant type: single nucleotide variant.
Coding change: c.1577T>C on transcript NM_031955.6 (MANE Select); coding-DNA position 1577, T replaced by C.
Protein change: p.Met526Thr; replaces methionine 526 with threonine.
Molecular consequence: missense variant.
Genome position (GRCh38, 1-based): chr3:172,913,671, A>G on the plus strand (T>C on the coding strand, the complement: SPATA16 is on the minus strand). VCF-style: chr3-172913671-A-G. GRCh37 (hg19) VCF-style: chr3-172631461-A-G.
Other names: short protein forms M526T.
Identifiers: ClinVar variation 901937 (VCV000901937.5), dbSNP rs62622782, ClinGen allele CA2708031.